The following is an entry in ClinVar:

ClinVar aggregate classification (germline): Uncertain significance. Review status: criteria provided, multiple submitters, no conflicts (2 of 4 stars). 2 submissions from 2 submitters: Uncertain significance (2). Last evaluated 2025-06-23.

Conditions:
Inborn genetic diseases. Identifiers: MedGen C0950123, MeSH D030342.

Allele frequency attached by ClinVar (database versions not stated): ExAC 0.00002; gnomAD exomes 0.00002; TOPMed 0.00003; gnomAD 0.00005.
gnomAD v4.1: 36 of 1,614,130 alleles (0.0022%); highest among the groups gnomAD compares: Middle Eastern, 0.017%; no homozygotes.

Submissions (2):

Ambry Genetics
Classification: Uncertain significance for Inborn genetic diseases. Last evaluated: 2025-06-23. Review status: criteria provided, single submitter. Criteria: Ambry Variant Classification Scheme 2023. Collection method: clinical testing. Allele origin: germline.

Labcorp Genetics (formerly Invitae), Labcorp
Classification: Uncertain significance. Last evaluated: 2022-05-05. Review status: criteria provided, single submitter. Criteria: Invitae Variant Classification Sherloc (09022015). Collection method: clinical testing. Allele origin: germline.
Comment: This sequence change replaces glutamic acid, which is acidic and polar, with lysine, which is basic and polar, at codon 209 of the TRAIP protein (p.Glu209Lys). This variant is present in population databases (rs756300840, gnomAD 0.01%). This variant has not been reported in the literature in individuals affected with TRAIP-related conditions. Algorithms developed to predict the effect of missense changes on protein structure and function are either unavailable or do not agree on the potential impact of this missense change (SIFT: "Tolerated"; PolyPhen-2: "Probably Damaging"; Align-GVGD: "Class C0"). In summary, the available evidence is currently insufficient to determine the role of this variant in disease. Therefore, it has been classified as a Variant of Uncertain Significance.

NM_005879.3(TRAIP):c.625G>A (p.Glu209Lys)

Gene: TRAIP (TRAF interacting protein; minus strand). Cytogenetic location: 3p21.31.
Variant type: single nucleotide variant.
Coding change: c.625G>A on transcript NM_005879.3 (MANE Select); coding-DNA position 625, G replaced by A.
Protein change: p.Glu209Lys; replaces glutamic acid 209 with lysine.
Molecular consequence: missense variant.
Genome position (GRCh38, 1-based): chr3:49,841,065, C>T on the plus strand (G>A on the coding strand, the complement: TRAIP is on the minus strand). VCF-style: chr3-49841065-C-T. GRCh37 (hg19) VCF-style: chr3-49878498-C-T.
Other names: c.625G>A (NM_005879.2); short protein forms E209K.
Identifiers: ClinVar variation 1910040 (VCV001910040.3), dbSNP rs756300840, ClinGen allele CA2407743.